The following is an entry in ClinVar:

NM_005120.3(MED12):c.2252A>G (p.Asn751Ser)

Gene: MED12 (mediator complex subunit 12; plus strand). Cytogenetic location: Xq13.1.
Variant type: single nucleotide variant.
Coding change: c.2252A>G on transcript NM_005120.3 (MANE Select); coding-DNA position 2252, A replaced by G.
Protein change: p.Asn751Ser; replaces asparagine 751 with serine.
Molecular consequence: missense variant.
Genome position (GRCh38, 1-based): chrX:71,125,376, A>G. VCF-style: chrX-71125376-A-G. GRCh37 (hg19) VCF-style: chrX-70345226-A-G.
Other names: short protein forms N751S.
Identifiers: ClinVar variation 213634 (VCV000213634.3), dbSNP rs863223700, ClinGen allele CA322628.

ClinVar aggregate classification (germline): Uncertain significance. Review status: criteria provided, multiple submitters, no conflicts (2 of 4 stars). 2 submissions from 2 submitters: Uncertain significance (2). Last evaluated 2026-08-26.

Conditions:
MED12-Related Disorders. Also called: MED12-related condition; MED12-related disorder. Identifiers: MedGen CN381102.

Submissions (2):

PreventionGenetics, part of Exact Sciences
Classification: Uncertain significance for MED12-related condition. Last evaluated: 2026-08-26. Review status: criteria provided, single submitter. Criteria: ACMG Guidelines, 2015. Collection method: clinical testing. Allele origin: germline.
Comment: The MED12 c.2252A>G variant is predicted to result in the amino acid substitution p.Asn751Ser. To our knowledge, this variant has not been reported in the literature or in a large population database (gnomAD), indicating this variant is rare. At this time, the clinical significance of this variant is uncertain due to the absence of conclusive functional and genetic evidence.

GeneDx
Classification: Uncertain significance. Last evaluated: 2015-04-02. Review status: criteria provided, single submitter. Criteria: GeneDx Variant Classification (06012015). Collection method: clinical testing. Allele origin: germline. Affected: yes.
Comment: The N751S variant in the MED12 gene has not been published as a mutation, nor has it been reported as a benign polymorphism to our knowledge. The N751S variant was not observed in approximately 6,500 individuals of European and African American ancestry in the NHLBI Exome Sequencing Project, indicating it is not a common benign variant in these populations. The N751S variant is a conservative amino acid substitution, which occurs at a position that is conserved across species. In silico analysis predicts this variant is probably damaging to the protein structure/function. We interpret N751S as a variant of unknown significance. This variant was found in MED12,HG19-SURESELECT